The following is an entry in ClinVar:

NM_002480.3(PPP1R12A):c.2527C>T (p.Arg843Ter)

Gene: PPP1R12A (protein phosphatase 1 regulatory subunit 12A; minus strand). Cytogenetic location: 12q21.2.
Variant type: single nucleotide variant.
Coding change: c.2527C>T on transcript NM_002480.3 (MANE Select); coding-DNA position 2527, C replaced by T.
Protein change: p.Arg843Ter; replaces arginine 843 with a stop codon.
Molecular consequence: nonsense.
Genome position (GRCh38, 1-based): chr12:79,795,694, G>A on the plus strand (C>T on the coding strand, the complement: PPP1R12A is on the minus strand). VCF-style: chr12-79795694-G-A. GRCh37 (hg19) VCF-style: chr12-80189474-G-A.
Other names: c.2527C>T, p.Arg843Ter (NM_001143885.2, NM_001244990.2); c.2266C>T, p.Arg756Ter (NM_001143886.2); c.2359C>T, p.Arg787Ter (NM_001244992.1); short protein forms R787*, R756*, R843*.
Identifiers: ClinVar variation 5027228 (VCV005027228.1).

ClinVar aggregate classification (germline): Pathogenic (1 of 4 stars; one submission).

Conditions:
Inborn genetic diseases. Identifiers: MedGen C0950123, MeSH D030342.

Submission:

Ambry Genetics
Classification: Pathogenic for Inborn genetic diseases. Last evaluated: 2026-07-29. Review status: criteria provided, single submitter. Criteria: Ambry Variant Classification Scheme 2023. Collection method: clinical testing. Allele origin: germline.
Comment: The c.2527C>T (p.R843*) alteration, located in exon 18 (coding exon 18) of the PPP1R12A gene, consists of a C to T substitution at nucleotide position 2527. This changes the amino acid from an arginine (R) to a stop codon at amino acid position 843. Premature stop codons are typically deleterious in nature. This variant is expected to result in loss of function by premature protein truncation or nonsense-mediated mRNA decay. This variant was not reported in population-based cohorts in the Genome Aggregation Database (gnomAD). Based on the available evidence, this alteration is classified as pathogenic.